The following is an entry in ClinVar:

NM_021096.4(CACNA1I):c.3077C>T (p.Pro1026Leu)

Gene: CACNA1I (calcium voltage-gated channel subunit alpha1 I; plus strand). Cytogenetic location: 22q13.1.
Variant type: single nucleotide variant.
Coding change: c.3077C>T on transcript NM_021096.4 (MANE Select); coding-DNA position 3077, C replaced by T.
Protein change: p.Pro1026Leu; replaces proline 1026 with leucine.
Molecular consequence: missense variant.
Genome position (GRCh38, 1-based): chr22:39,662,140, C>T. VCF-style: chr22-39662140-C-T. GRCh37 (hg19) VCF-style: chr22-40058145-C-T.
Other names: c.3077C>T (NM_021096.3); c.2972C>T, p.Pro991Leu (NM_001003406.2); short protein forms P1026L, P991L.
Identifiers: ClinVar variation 2653158 (VCV002653158.25), dbSNP rs57299573, ClinGen allele CA10244344.

ClinVar aggregate classification (germline): Likely benign. Review status: criteria provided, single submitter (1 of 4 stars). 2 submissions from 2 submitters: Likely benign (1). 1 of the submissions does not count toward it. Last evaluated 2026-05-01.

Conditions:
CACNA1I-related disorder. Also called: CACNA1I-related condition.

Allele frequency attached by ClinVar (database versions not stated): gnomAD 0.00364; TOPMed 0.00403; gnomAD exomes 0.00513; ExAC 0.00688; 1000 Genomes Project 30x 0.00141; ESP Exome Variant Server 0.00358; 1000 Genomes Project 0.00120.
gnomAD v4.1: 7,549 of 1,525,242 alleles (0.49%); highest among the groups gnomAD compares: Middle Eastern, 2.8%; 33 homozygotes.

Submissions (2):

CeGaT Center for Human Genetics Tuebingen
Classification: Likely benign. Last evaluated: 2026-05-01. Review status: criteria provided, single submitter. Criteria: CeGaT Center For Human Genetics Tuebingen Variant Classification Criteria Version 2. Collection method: clinical testing. Allele origin: germline. Affected: yes. Observed: 6 variant alleles.
Comment: CACNA1I: BS2

PreventionGenetics, part of Exact Sciences
Classification: Benign for CACNA1I-related condition. Last evaluated: 2024-04-12. Review status: no assertion criteria provided. Collection method: clinical testing. Allele origin: germline. Not counted in ClinVar's aggregate classification.
Comment: This variant is classified as benign based on ACMG/AMP sequence variant interpretation guidelines (Richards et al. 2015 PMID: 25741868, with internal and published modifications).